The following is an entry in ClinVar:

NM_013339.4(ALG6):c.278A>G (p.Asp93Gly)

Gene: ALG6 (ALG6 alpha-1,3-glucosyltransferase; plus strand). Cytogenetic location: 1p31.3.
Variant type: single nucleotide variant.
Coding change: c.278A>G on transcript NM_013339.4 (MANE Select); coding-DNA position 278, A replaced by G.
Protein change: p.Asp93Gly; replaces aspartic acid 93 with glycine.
Molecular consequence: missense variant.
Genome position (GRCh38, 1-based): chr1:63,404,473, A>G. VCF-style: chr1-63404473-A-G. GRCh37 (hg19) VCF-style: chr1-63870144-A-G.
Other names: short protein forms D93G.
Identifiers: ClinVar variation 1448336 (VCV001448336.8), dbSNP rs1329673040, ClinGen allele CA340634297.
Genomic context (GRCh38, chr1:63,404,473, plus strand): 5'-ATGAGGAATGAAGTATCTGTATATATGCTTTGATTTGCAGGGCAAAGTTTATAAATCCAG[A>G]CTGGATTGCTCTCCATACATCACGTGGATATGAGAGTCAGGCACATAAGCTCTTCATGCG-3'
Protein context (NP_037471.2, residues 83-103): CAYVAKFINP[Asp93Gly]WIALHTSRGY

ClinVar aggregate classification (germline): Uncertain significance (1 of 4 stars; one submission).

Conditions:
ALG6-congenital disorder of glycosylation 1C (CDG1C). Also called: Congenital disorder of glycosylation, type Ic; CARBOHYDRATE-DEFICIENT GLYCOPROTEIN SYNDROME, TYPE I, WITH DEFICIENT GLYCOSYLATION OF DOLICHOL-LINKED OLIGOSACCHARIDE; CARBOHYDRATE-DEFICIENT GLYCOPROTEIN SYNDROME, TYPE V; CDG Ic; Congenital disorder of glycosylation type 1C. Identifiers: Orphanet 79320, MedGen C2930997, MONDO:0011291, OMIM 603147.

Allele frequency attached by ClinVar (database versions not stated): gnomAD exomes below 0.00001.

Submission:

Labcorp Genetics (formerly Invitae), Labcorp
Classification: Uncertain significance for ALG6-congenital disorder of glycosylation 1C. Last evaluated: 2021-03-24. Review status: criteria provided, single submitter. Criteria: Invitae Variant Classification Sherloc (09022015). Collection method: clinical testing. Allele origin: germline.
Comment: In summary, the available evidence is currently insufficient to determine the role of this variant in disease. Therefore, it has been classified as a Variant of Uncertain Significance. Algorithms developed to predict the effect of missense changes on protein structure and function (SIFT, PolyPhen-2, Align-GVGD) all suggest that this variant is likely to be tolerated, but these predictions have not been confirmed by published functional studies and their clinical significance is uncertain. This variant has not been reported in the literature in individuals with ALG6-related conditions. This variant is not present in population databases (ExAC no frequency). This sequence change replaces aspartic acid with glycine at codon 93 of the ALG6 protein (p.Asp93Gly). The aspartic acid residue is moderately conserved and there is a moderate physicochemical difference between aspartic acid and glycine.